The following is an entry in ClinVar:

NM_021625.5(TRPV4):c.2482C>A (p.Arg828Ser)

Gene: TRPV4 (transient receptor potential cation channel subfamily V member 4; minus strand). Cytogenetic location: 12q24.11.
Variant type: single nucleotide variant.
Coding change: c.2482C>A on transcript NM_021625.5 (MANE Select); coding-DNA position 2482, C replaced by A.
Protein change: p.Arg828Ser; replaces arginine 828 with serine.
Molecular consequence: missense variant.
Genome position (GRCh38, 1-based): chr12:109,783,755, G>T on the plus strand (C>A on the coding strand, the complement: TRPV4 is on the minus strand). VCF-style: chr12-109783755-G-T. GRCh37 (hg19) VCF-style: chr12-110221560-G-T.
Other names: c.2341C>A, p.Arg781Ser (NM_001177428.2); c.2380C>A, p.Arg794Ser (NM_001177431.2); c.2161C>A, p.Arg721Ser (NM_001177433.2); c.2302C>A, p.Arg768Ser (NM_147204.3); short protein forms R828S, R794S, R721S, R768S, R781S.
Identifiers: ClinVar variation 575260 (VCV000575260.8), dbSNP rs1467984181, ClinGen allele CA386648622.

ClinVar aggregate classification (germline): Uncertain significance (1 of 4 stars; one submission).

Conditions:
Charcot-Marie-Tooth disease axonal type 2C (HMSN2C). Also called: Charcot-Marie-Tooth Disease Type 2, TRPV4-Related (CMT2C); CHARCOT-MARIE-TOOTH DISEASE, AXONAL, AUTOSOMAL DOMINANT, TYPE 2C; Charcot-Marie-Tooth Neuropathy Type 2C. Identifiers: Orphanet 99937, MedGen C1853710, MONDO:0011633, OMIM 606071.

gnomAD v4.1: 2 of 1,613,118 alleles (0.00012%); highest among the groups gnomAD compares: Non-Finnish European, 0.00017%; no homozygotes.

Submission:

Labcorp Genetics (formerly Invitae), Labcorp
Classification: Uncertain significance for Charcot-Marie-Tooth disease axonal type 2C. Last evaluated: 2024-04-22. Review status: criteria provided, single submitter. Criteria: Invitae Variant Classification Sherloc (09022015). Collection method: clinical testing. Allele origin: germline.
Comment: This sequence change replaces arginine, which is basic and polar, with serine, which is neutral and polar, at codon 828 of the TRPV4 protein (p.Arg828Ser). This variant is not present in population databases (gnomAD no frequency). This variant has not been reported in the literature in individuals affected with TRPV4-related conditions. ClinVar contains an entry for this variant (Variation ID: 575260). Advanced modeling of protein sequence and biophysical properties (such as structural, functional, and spatial information, amino acid conservation, physicochemical variation, residue mobility, and thermodynamic stability) has been performed at Invitae for this missense variant, however the output from this modeling did not meet the statistical confidence thresholds required to predict the impact of this variant on TRPV4 protein function. In summary, the available evidence is currently insufficient to determine the role of this variant in disease. Therefore, it has been classified as a Variant of Uncertain Significance.